The following is an entry in ClinVar:

NM_005559.4(LAMA1):c.3214C>T (p.Arg1072Trp)

Gene: LAMA1 (laminin subunit alpha 1; minus strand). Cytogenetic location: 18p11.31.
Variant type: single nucleotide variant.
Coding change: c.3214C>T on transcript NM_005559.4 (MANE Select); coding-DNA position 3214, C replaced by T.
Protein change: p.Arg1072Trp; replaces arginine 1072 with tryptophan.
Molecular consequence: missense variant.
Genome position (GRCh38, 1-based): chr18:7,013,964, G>A on the plus strand (C>T on the coding strand, the complement: LAMA1 is on the minus strand). VCF-style: chr18-7013964-G-A. GRCh37 (hg19) VCF-style: chr18-7013963-G-A.
Other names: short protein forms R1072W.
Identifiers: ClinVar variation 2414351 (VCV002414351.6), dbSNP rs779094301, ClinGen allele CA8882354.

ClinVar aggregate classification (germline): Uncertain significance (1 of 4 stars; one submission).

Allele frequency attached by ClinVar (database versions not stated): gnomAD exomes below 0.00001; ExAC 0.00001; gnomAD 0.00001; TOPMed 0.00002; 1000 Genomes Project 30x 0.00016.
gnomAD v4.1: 5 of 1,613,786 alleles (0.00031%); highest among the groups gnomAD compares: Admixed American, 0.0033%; no homozygotes.

Submission:

Labcorp Genetics (formerly Invitae), Labcorp
Classification: Uncertain significance. Last evaluated: 2022-07-18. Review status: criteria provided, single submitter. Criteria: Invitae Variant Classification Sherloc (09022015). Collection method: clinical testing. Allele origin: germline.
Comment: This sequence change replaces arginine, which is basic and polar, with tryptophan, which is neutral and slightly polar, at codon 1072 of the LAMA1 protein (p.Arg1072Trp). In summary, the available evidence is currently insufficient to determine the role of this variant in disease. Therefore, it has been classified as a Variant of Uncertain Significance. Algorithms developed to predict the effect of missense changes on protein structure and function output the following: SIFT: "Tolerated"; PolyPhen-2: "Possibly Damaging"; Align-GVGD: "Class C0". The tryptophan amino acid residue is found in multiple mammalian species, which suggests that this missense change does not adversely affect protein function. This variant has not been reported in the literature in individuals affected with LAMA1-related conditions. This variant is present in population databases (rs779094301, gnomAD 0.003%).